The following is an entry in ClinVar:

NM_006767.4(LZTR1):c.2441A>T (p.Gln814Leu)

Gene: LZTR1 (leucine zipper like post translational regulator 1; plus strand). Cytogenetic location: 22q11.21.
Variant type: single nucleotide variant.
Coding change: c.2441A>T on transcript NM_006767.4 (MANE Select); coding-DNA position 2441, A replaced by T.
Protein change: p.Gln814Leu; replaces glutamine 814 with leucine.
Molecular consequence: missense variant.
Genome position (GRCh38, 1-based): chr22:20,997,266, A>T. VCF-style: chr22-20997266-A-T. GRCh37 (hg19) VCF-style: chr22-21351555-A-T.
Other names: short protein forms Q814L.
Identifiers: ClinVar variation 3658260 (VCV003658260.2).

ClinVar aggregate classification (germline): Uncertain significance (1 of 4 stars; one submission).

gnomAD v4.1: 5 of 1,613,844 alleles (0.00031%); highest among the groups gnomAD compares: Non-Finnish European, 0.00042%; no homozygotes.

Submission:

Labcorp Genetics (formerly Invitae), Labcorp
Classification: Uncertain significance. Last evaluated: 2024-06-30. Review status: criteria provided, single submitter. Criteria: Invitae Variant Classification Sherloc (09022015). Collection method: clinical testing. Allele origin: germline.
Comment: This sequence change replaces glutamine, which is neutral and polar, with leucine, which is neutral and non-polar, at codon 814 of the LZTR1 protein (p.Gln814Leu). This variant is not present in population databases (gnomAD no frequency). This variant has not been reported in the literature in individuals affected with LZTR1-related conditions. Advanced modeling of protein sequence and biophysical properties (such as structural, functional, and spatial information, amino acid conservation, physicochemical variation, residue mobility, and thermodynamic stability) performed at Invitae indicates that this missense variant is not expected to disrupt LZTR1 protein function with a negative predictive value of 80%. In summary, the available evidence is currently insufficient to determine the role of this variant in disease. Therefore, it has been classified as a Variant of Uncertain Significance.